The following is an entry in ClinVar:

ClinVar aggregate classification (germline): Likely pathogenic (1 of 4 stars; one submission).

Conditions:
Glutamate pyruvate transaminase 2 deficiency (NEDSPM). Also called: Neurodevelopmental disorder with microcephaly and spastic paraplegia. Identifiers: Orphanet 477673, MedGen C4225388, MONDO:0014567, OMIM 616281.

Submission:

3billion
Classification: Likely pathogenic for Glutamate pyruvate transaminase 2 deficiency. Review status: criteria provided, single submitter. Criteria: ACMG Guidelines, 2015. Collection method: clinical testing. Allele origin: unknown. Affected: yes. Observed: 1 heterozygote.
Comment: The variant is not observed in the gnomAD v2.1.1 dataset. The variant is predicted to result in a loss or disruption of normal protein function through nonsense-mediated decay (NMD) or protein truncation. Multiple pathogenic variants are reported downstream of the variant. Therefore, this variant is classified as Likely pathogenic according to the recommendation of ACMG/AMP guideline.

NM_133443.4(GPT2):c.58del (p.Trp20fs)

Gene: GPT2 (glutamic--pyruvic transaminase 2; plus strand). Cytogenetic location: 16q11.2.
Variant type: Deletion.
Coding change: c.58del on transcript NM_133443.4 (MANE Select); coding-DNA position 58, one base deleted (T; older notation c.58delT).
Protein change: p.Trp20fs; shifts the reading frame from tryptophan 20.
Molecular consequence: frameshift variant. On other transcripts: 5 prime UTR variant (1).
Genome position (GRCh38, 1-based): chr16:46,884,773, T deleted. VCF-style (leftmost placement, unchanged base first): chr16-46884772-CT-C. GRCh37 (hg19) VCF-style: chr16-46918684-CT-C.
Other names: c.-727del (NM_001142466.3); short protein forms W20fs.
Identifiers: ClinVar variation 2572428 (VCV002572428.1), dbSNP rs2548953788, ClinGen allele CA2580613472.